The following is an entry in ClinVar:

ClinVar aggregate classification (germline): Uncertain significance (1 of 4 stars; one submission).

Submission:

Athena Diagnostics
Classification: Uncertain significance. Last evaluated: 2025-04-24. Review status: criteria provided, single submitter. Criteria: Athena Diagnostics Criteria. Collection method: clinical testing. Allele origin: unknown.
Comment: Available data are insufficient to determine the clinical significance of the variant at this time. This variant has not been reported in large, multi-ethnic general populations. Polyphen and MutationTaster predict this amino acid change may be benign.

NM_015046.7(SETX):c.4190A>G (p.Asn1397Ser)

Gene: SETX (senataxin; minus strand). Cytogenetic location: 9q34.13.
Variant type: single nucleotide variant.
Coding change: c.4190A>G on transcript NM_015046.7 (MANE Select); coding-DNA position 4190, A replaced by G.
Protein change: p.Asn1397Ser; replaces asparagine 1397 with serine.
Molecular consequence: missense variant.
Genome position (GRCh38, 1-based): chr9:132,327,408, T>C on the plus strand (A>G on the coding strand, the complement: SETX is on the minus strand). VCF-style: chr9-132327408-T-C. GRCh37 (hg19) VCF-style: chr9-135202795-T-C.
Other names: c.4190A>G, p.Asn1397Ser (NM_001351527.2, NM_001351528.2); short protein forms N1397S.
Identifiers: ClinVar variation 4682337 (VCV004682337.1).